The following is an entry in ClinVar:

ClinVar aggregate classification (germline): Likely benign (1 of 4 stars; one submission).

Allele frequency attached by ClinVar (database versions not stated): gnomAD exomes 0.00022; ExAC 0.00028; ESP Exome Variant Server 0.00057; gnomAD 0.00062; TOPMed 0.00072; 1000 Genomes Project 30x 0.00109; 1000 Genomes Project 0.00120.

Submission:

CeGaT Center for Human Genetics Tuebingen
Classification: Likely benign. Last evaluated: 2022-04-01. Review status: criteria provided, single submitter. Criteria: CeGaT Center For Human Genetics Tuebingen Variant Classification Criteria Version 2. Collection method: clinical testing. Allele origin: germline. Affected: yes. Observed: 1 variant allele.
Comment: MUC16: BP4, BP7

NM_001401501.2(MUC16):c.831C>T (p.Phe277=)

Gene: MUC16 (mucin 16, cell surface associated; minus strand). Cytogenetic location: 19p13.2.
Variant type: single nucleotide variant.
Coding change: c.831C>T on transcript NM_001401501.2 (MANE Select); coding-DNA position 831, C replaced by T.
Protein change: p.Phe277=; no amino-acid change (phenylalanine 277 retained).
Molecular consequence: synonymous variant.
Genome position (GRCh38, 1-based): chr19:8,980,428, G>A on the plus strand (C>T on the coding strand, the complement: MUC16 is on the minus strand). VCF-style: chr19-8980428-G-A. GRCh37 (hg19) VCF-style: chr19-9091104-G-A.
Other names: c.711C>T, p.Phe237= (NM_001414687.1, NM_024690.2); c.1257C>T, p.Phe419= (NM_001414686.1).
Identifiers: ClinVar variation 2649272 (VCV002649272.24), dbSNP rs138319477, ClinGen allele CA9173548.
Genomic context (GRCh38, chr19:8,980,428, plus strand): 5'-AATCAGTTCCAGGCTTGTTTCACCTCTGGAATTTGGGGTCCCTTTAGGTGATAGGTCAAG[G>A]AAGGAAGAATAAAGTGTCCCAAATGATGGGTTTGTCCTTCCTGGAGTATGTGAGTCAGTA-3'
Protein context (NP_001388430.1, residues 267-287): NPSFGTLYSS[Phe277=]LDLSPKGTPN